The following is an entry in ClinVar:

ClinVar aggregate classification (germline): Pathogenic (1 of 4 stars; one submission).

Conditions:
Dias-Logan syndrome. Also called: INTELLECTUAL DEVELOPMENTAL DISORDER WITH HEREDITARY PERSISTENCE OF FETAL HEMOGLOBIN; Intellectual developmental disorder with persistence of fetal hemoglobin. Identifiers: Orphanet 619233, MedGen C4310833, MONDO:0014914, OMIM 617101.

Submission:

Institute of Human Genetics, University of Leipzig Medical Center
Classification: Pathogenic for Dias-Logan syndrome. Last evaluated: 2022-11-23. Review status: criteria provided, single submitter. Criteria: ACMG Guidelines, 2015. Collection method: clinical testing. Allele origin: de novo. Affected: yes.
Comment: This variant was identified as de novo (maternity and paternity confirmed)._x000D_ Criteria applied: PVS1, PS2_MOD, PM2_SUP

NM_022893.4(BCL11A):c.759_769del (p.Leu254fs)

Gene: BCL11A (BCL11 transcription factor A; minus strand). Cytogenetic location: 2p16.1.
Variant type: Deletion.
Coding change: c.759_769del on transcript NM_022893.4 (MANE Select); coding-DNA positions 759 to 769, 11 bases deleted (CCTGGCAGAAG).
Protein change: p.Leu254fs; shifts the reading frame from leucine 254.
Molecular consequence: frameshift variant. On other transcripts: intron variant (9).
Genome position (GRCh38, 1-based): chr2:60,462,143-60,462,153, CTTCTGCCAGG deleted on the plus strand (CCTGGCAGAAG on the coding strand, the reverse complement: BCL11A is on the minus strand); deleting any 11 consecutive bases within chr2:60,462,143-60,462,154 gives the same sequence; the c. name uses the placement nearest the transcript's 3' end. VCF-style (leftmost placement, unchanged base first): chr2-60462142-CCTTCTGCCAGG-C. GRCh37 (hg19) VCF-style: chr2-60689277-CCTTCTGCCAGG-C.
Other names: c.657_667del, p.Leu220fs (NM_001363864.1, NM_001365609.1, NM_001405711.1 and 2 more transcripts); c.759_769del, p.Leu254fs (NM_001405708.1, NM_001405709.1, NM_001405710.1 and 1 more transcripts); c.603_613del, p.Leu202fs (NM_001405713.1, NM_001405714.1, NM_001405715.1 and 3 more transcripts); c.501_511del, p.Leu168fs (NM_001405717.1, NM_001405718.1, NM_001405724.1); c.426_436del, p.Leu143fs (NM_001405720.1, NM_001405721.1); c.303_313del, p.Leu102fs (NM_001405725.1, NM_001405726.1, NM_001405727.1 and 1 more transcripts); c.630+129_630+139del (NM_138559.2, NM_001405732.1, NM_001405730.1); c.528+129_528+139del (NM_001405733.1); and 3 more; short protein forms L220fs, L254fs, L102fs, L143fs, L168fs, L202fs.
Identifiers: ClinVar variation 1804108 (VCV001804108.1), dbSNP rs2466259921, ClinGen allele CA2580067556.